The following is an entry in ClinVar:

ClinVar aggregate classification (germline): Pathogenic (1 of 4 stars; one submission).

Submission:

Labcorp Genetics (formerly Invitae), Labcorp
Classification: Pathogenic. Last evaluated: 2025-01-27. Review status: criteria provided, single submitter. Criteria: Invitae Variant Classification Sherloc (09022015). Collection method: clinical testing. Allele origin: germline.
Comment: This sequence change creates a premature translational stop signal (p.Leu277Profs*2) in the PROM1 gene. It is expected to result in an absent or disrupted protein product. Loss-of-function variants in PROM1 are known to be pathogenic (PMID: 17605048, 19718270, 24154662, 25474345). This variant is not present in population databases (gnomAD no frequency). This variant has not been reported in the literature in individuals affected with PROM1-related conditions. For these reasons, this variant has been classified as Pathogenic.

Literature cited by the submitters: PubMed 17605048; PubMed 19718270; PubMed 24154662; PubMed 25474345.

NM_006017.3(PROM1):c.827_828dup (p.Leu277fs)

Gene: PROM1 (prominin 1; minus strand). Cytogenetic location: 4p15.32.
Variant type: Duplication.
Coding change: c.827_828dup on transcript NM_006017.3 (MANE Select); coding-DNA positions 827 to 828, 2 bases duplicated (CC; older notation c.827_828dupCC).
Protein change: p.Leu277fs; shifts the reading frame from leucine 277.
Molecular consequence: frameshift variant.
Genome position (GRCh38, 1-based): chr4:16,018,497-16,018,498, GG duplicated on the plus strand (CC on the coding strand, the reverse complement: PROM1 is on the minus strand). VCF-style (leftmost placement, unchanged base first): chr4-16018496-A-AGG. GRCh37 (hg19) VCF-style: chr4-16020119-A-AGG.
Other names: c.800_801dup, p.Leu268fs (NM_001145847.2, NM_001145848.2, NM_001145851.2 and 4 more transcripts); c.827_828dup, p.Leu277fs (NM_001145849.2, NM_001145850.2); short protein forms L277fs, L268fs.
Identifiers: ClinVar variation 3679213 (VCV003679213.2).